The following is an entry in ClinVar:

NM_005535.3(IL12RB1):c.1132G>C (p.Gly378Arg)

Gene: IL12RB1 (interleukin 12 receptor subunit beta 1; minus strand). Cytogenetic location: 19p13.11.
Variant type: single nucleotide variant.
Coding change: c.1132G>C on transcript NM_005535.3 (MANE Select); coding-DNA position 1132, G replaced by C.
Protein change: p.Gly378Arg; replaces glycine 378 with arginine.
Molecular consequence: missense variant.
Genome position (GRCh38, 1-based): chr19:18,069,603, C>G on the plus strand (G>C on the coding strand, the complement: IL12RB1 is on the minus strand). VCF-style: chr19-18069603-C-G. GRCh37 (hg19) VCF-style: chr19-18180413-C-G.
Other names: c.1132G>C, p.Gly378Arg (NM_001290023.2); c.1252G>C, p.Gly418Arg (NM_001290024.2); short protein forms G378R, G418R.
Identifiers: ClinVar variation 328587 (VCV000328587.22), dbSNP rs401502, ClinGen allele CA9304954.

ClinVar aggregate classification (germline): Benign/Likely benign. Review status: criteria provided, multiple submitters, no conflicts (2 of 4 stars). 7 submissions from 7 submitters: Benign (6); Likely benign (1). Last evaluated 2026-02-04.

Conditions:
Mendelian susceptibility to mycobacterial diseases due to complete IL12RB1 deficiency. Also called: IL12RB1 DEFICIENCY; Immunodeficiency 30. Identifiers: Orphanet 319552, MedGen C4013949, MONDO:0013955, OMIM 614891.

Allele frequency attached by ClinVar (database versions not stated): 1000 Genomes Project 30x 0.24813; 1000 Genomes Project 0.25160; TOPMed 0.26400; ESP Exome Variant Server 0.27264; gnomAD 0.28523.
gnomAD v4.1: 492,540 of 1,612,144 alleles (31%); highest among the groups gnomAD compares: East Asian, 39%; 77,178 homozygotes.

Submissions (7):

Labcorp Genetics (formerly Invitae), Labcorp
Classification: Benign for Mendelian susceptibility to mycobacterial diseases due to complete IL12RB1 deficiency. Last evaluated: 2026-02-04. Review status: criteria provided, single submitter. Criteria: Invitae Variant Classification Sherloc (09022015). Collection method: clinical testing. Allele origin: germline.

Blueprint Genetics
Classification: Likely benign. Last evaluated: 2024-11-28. Review status: criteria provided, single submitter. Criteria: ACMG Guidelines, 2015. Collection method: clinical testing. Allele origin: germline.

Unidad de Genómica Garrahan, Hospital de Pediatría Garrahan
Classification: Benign. Last evaluated: 2024-01-24. Review status: criteria provided, single submitter. Criteria: ACMG Guidelines, 2015. Collection method: clinical testing. Allele origin: germline. Affected: no. Observed: 31 variant alleles.
Comment: This variant is classified as Benign based on local population frequency. This variant was detected in 35% of patients studied by a panel of primary immunodeficiencies. Number of patients: 31. Only high quality variants are reported.

Genome-Nilou Lab
Classification: Benign for Mendelian susceptibility to mycobacterial diseases due to complete IL12RB1 deficiency. Last evaluated: 2021-08-19. Review status: criteria provided, single submitter. Criteria: ACMG Guidelines, 2015. Collection method: clinical testing. Allele origin: germline. Affected: no.

Illumina Laboratory Services, Illumina
Classification: Benign for Mendelian susceptibility to mycobacterial diseases due to complete IL12RB1 deficiency. Last evaluated: 2018-03-06. Review status: criteria provided, single submitter. Criteria: ICSL Variant Classification Criteria 13 December 2019. Collection method: clinical testing. Allele origin: germline.
Comment: This variant was observed in the ICSL laboratory as part of a predisposition screen in an ostensibly healthy population. It had not been previously curated by ICSL or reported in the Human Gene Mutation Database (HGMD: prior to June 1st, 2018), and was therefore a candidate for classification through an automated scoring system. Utilizing variant allele frequency, disease prevalence and penetrance estimates, and inheritance mode, an automated score was calculated to assess if this variant is too frequent to cause the disease. Based on the score and internal cut-off values, a variant classified as benign is not then subjected to further curation. The score for this variant resulted in a classification of benign for this disease.

Laboratory for Molecular Medicine, Mass General Brigham Personalized Medicine
Classification: Benign. Last evaluated: 2016-03-29. Review status: criteria provided, single submitter. Criteria: LMM Criteria. Collection method: clinical testing. Allele origin: germline.
Comment: Variant identified in a genome or exome case(s) and assessed due to predicted null impact of the variant or pathogenic assertions in the literature or databases. Disclaimer: This variant has not undergone full assessment. The following are preliminary notes: Frequency, variant associated with tuberculosis susceptibility

Breakthrough Genomics
Classification: Benign. Review status: criteria provided, single submitter. Criteria: ACMG Guidelines, 2015. Collection method: not provided. Allele origin: germline. Inheritance: Autosomal recessive inheritance. Affected: yes.